The following is an entry in ClinVar:

ClinVar aggregate classification (germline): Uncertain significance. Review status: criteria provided, multiple submitters, no conflicts (2 of 4 stars). 4 submissions from 4 submitters: Uncertain significance (4). Last evaluated 2025-09-30.

Conditions:
Familial thoracic aortic aneurysm and aortic dissection (TAAD). Also called: Thoracic aortic aneurysms and dissections. Identifiers: Orphanet 91387, MedGen C4707243, MONDO:0019625.
Aortic aneurysm, familial thoracic 7 (AAT7). Also called: AORTIC DISSECTION, FAMILIAL, WITH OR WITHOUT AORTIC ANEURYSM. Identifiers: MedGen C3151077, MONDO:0013418, OMIM 613780.

Submissions (4):

Labcorp Genetics (formerly Invitae), Labcorp
Classification: Uncertain significance for Aortic aneurysm, familial thoracic 7. Last evaluated: 2025-09-30. Review status: criteria provided, single submitter. Criteria: Invitae Variant Classification Sherloc (09022015). Collection method: clinical testing. Allele origin: germline.
Comment: This sequence change replaces proline, which is neutral and non-polar, with serine, which is neutral and polar, at codon 1431 of the MYLK protein (p.Pro1431Ser). This variant is present in population databases (no rsID available, gnomAD 0.007%). This variant has not been reported in the literature in individuals affected with MYLK-related conditions. ClinVar contains an entry for this variant (Variation ID: 1318807). An algorithm developed to predict the effect of missense changes on protein structure and function (PolyPhen-2) suggests that this variant is likely to be tolerated. In summary, the available evidence is currently insufficient to determine the role of this variant in disease. Therefore, it has been classified as a Variant of Uncertain Significance.

Blueprint Genetics
Classification: Uncertain significance. Last evaluated: 2024-06-19. Review status: criteria provided, single submitter. Criteria: ACMG Guidelines, 2015. Collection method: clinical testing. Allele origin: germline.

Ambry Genetics
Classification: Uncertain significance for Familial thoracic aortic aneurysm and aortic dissection. Last evaluated: 2023-09-25. Review status: criteria provided, single submitter. Criteria: Ambry Variant Classification Scheme 2023. Collection method: clinical testing. Allele origin: germline.
Comment: The p.P1431S variant (also known as c.4291C>T), located in coding exon 22 of the MYLK gene, results from a C to T substitution at nucleotide position 4291. The proline at codon 1431 is replaced by serine, an amino acid with similar properties. This amino acid position is conserved. In addition, this alteration is predicted to be tolerated by in silico analysis. Since supporting evidence is limited at this time, the clinical significance of this alteration remains unclear.

GeneDx
Classification: Uncertain significance. Last evaluated: 2020-10-15. Review status: criteria provided, single submitter. Criteria: GeneDx Variant Classification Process June 2021. Collection method: clinical testing. Allele origin: germline. Affected: yes.
Comment: Has not been previously published as pathogenic or benign to our knowledge; Not observed in large population cohorts (Lek et al., 2016); In silico analysis supports that this missense variant has a deleterious effect on protein structure/function

NM_053025.4(MYLK):c.4291C>T (p.Pro1431Ser)

Gene: MYLK (myosin light chain kinase; minus strand). Cytogenetic location: 3q21.1.
Variant type: single nucleotide variant.
Coding change: c.4291C>T on transcript NM_053025.4 (MANE Select); coding-DNA position 4291, C replaced by T.
Protein change: p.Pro1431Ser; replaces proline 1431 with serine.
Molecular consequence: missense variant.
Genome position (GRCh38, 1-based): chr3:123,649,192, G>A on the plus strand (C>T on the coding strand, the complement: MYLK is on the minus strand). VCF-style: chr3-123649192-G-A. GRCh37 (hg19) VCF-style: chr3-123368039-G-A.
Other names: c.3763C>T, p.Pro1255Ser (NM_001321309.2); c.4084C>T, p.Pro1362Ser (NM_053026.4, NM_053028.4); c.4291C>T, p.Pro1431Ser (NM_053027.4); short protein forms P1255S, P1362S, P1431S.
Identifiers: ClinVar variation 1318807 (VCV001318807.5), dbSNP rs372664094, ClinGen allele CA354227704.